The following is an entry in ClinVar:

NM_021942.6(TRAPPC11):c.1085A>T (p.Gln362Leu)

Gene: TRAPPC11 (trafficking protein particle complex subunit 11; plus strand). Cytogenetic location: 4q35.1.
Variant type: single nucleotide variant.
Coding change: c.1085A>T on transcript NM_021942.6 (MANE Select); coding-DNA position 1085, A replaced by T.
Protein change: p.Gln362Leu; replaces glutamine 362 with leucine.
Molecular consequence: missense variant.
Genome position (GRCh38, 1-based): chr4:183,680,239, A>T. VCF-style: chr4-183680239-A-T. GRCh37 (hg19) VCF-style: chr4-184601392-A-T.
Other names: c.1085A>T, p.Gln362Leu (NM_199053.3); short protein forms Q362L.
Identifiers: ClinVar variation 1483468 (VCV001483468.6), dbSNP rs1321230724, ClinGen allele CA358863552.
Genomic context (GRCh38, chr4:183,680,239, plus strand): 5'-AAACTCAGAATCCTGGTTTCTATTACCAGCAGGCAGCATACTATGCCCAGGAGCGGAAAC[A>T]GCTTGCAAAAACCCTCTGTAACCACGAAGTAAGTTACTCACTCCGTATTATCTAGCACAT-3'
Protein context (NP_068761.4, residues 352-372): QAAYYAQERK[Gln362Leu]LAKTLCNHEA

ClinVar aggregate classification (germline): Uncertain significance (1 of 4 stars; one submission).

Conditions:
Autosomal recessive limb-girdle muscular dystrophy type R18 (LGMDR18). Also called: MUSCULAR DYSTROPHY, LIMB-GIRDLE, AUTOSOMAL RECESSIVE 18; Autosomal recessive limb-girdle muscular dystrophy type 2S; Limb-girdle muscular dystrophy, type 2S. Identifiers: Orphanet 369840, MedGen C4517996, MONDO:0014144, OMIM 615356.

Allele frequency attached by ClinVar (database versions not stated): gnomAD exomes below 0.00001; TOPMed below 0.00001; gnomAD 0.00001.
gnomAD v4.1: 6 of 1,613,888 alleles (0.00037%); highest among the groups gnomAD compares: Non-Finnish European, 0.00051%; no homozygotes.

Submission:

Labcorp Genetics (formerly Invitae), Labcorp
Classification: Uncertain significance for Autosomal recessive limb-girdle muscular dystrophy type R18. Last evaluated: 2025-10-02. Review status: criteria provided, single submitter. Criteria: Invitae Variant Classification Sherloc (09022015). Collection method: clinical testing. Allele origin: germline.
Comment: This sequence change replaces glutamine, which is neutral and polar, with leucine, which is neutral and non-polar, at codon 362 of the TRAPPC11 protein (p.Gln362Leu). This variant is not present in population databases (gnomAD no frequency). This variant has not been reported in the literature in individuals affected with TRAPPC11-related conditions. ClinVar contains an entry for this variant (Variation ID: 1483468). Invitae Evidence Modeling of protein sequence and biophysical properties (such as structural, functional, and spatial information, amino acid conservation, physicochemical variation, residue mobility, and thermodynamic stability) indicates that this missense variant is not expected to disrupt TRAPPC11 protein function with a negative predictive value of 80%. In summary, the available evidence is currently insufficient to determine the role of this variant in disease. Therefore, it has been classified as a Variant of Uncertain Significance.